The following is an entry in ClinVar:

NM_000535.7(PMS2):c.1703C>T (p.Pro568Leu)

Gene: PMS2 (PMS1 homolog 2, mismatch repair system component; minus strand). Cytogenetic location: 7p22.1.
Variant type: single nucleotide variant.
Coding change: c.1703C>T on transcript NM_000535.7 (MANE Select); coding-DNA position 1703, C replaced by T.
Protein change: p.Pro568Leu; replaces proline 568 with leucine.
Molecular consequence: missense variant. On other transcripts: non-coding transcript variant (1).
Genome position (GRCh38, 1-based): chr7:5,987,062, G>A on the plus strand (C>T on the coding strand, the complement: PMS2 is on the minus strand). VCF-style: chr7-5987062-G-A. GRCh37 (hg19) VCF-style: chr7-6026693-G-A.
Other names: c.1298C>T, p.Pro433Leu (NM_001322003.2, NM_001322004.2, NM_001322005.2 and 1 more transcripts); c.1547C>T, p.Pro516Leu (NM_001322006.2); c.1385C>T, p.Pro462Leu (NM_001322007.2, NM_001322008.2); c.1142C>T, p.Pro381Leu (NM_001322010.2); c.770C>T, p.Pro257Leu (NM_001322011.2, NM_001322012.2); c.1130C>T, p.Pro377Leu (NM_001322013.2); c.1703C>T, p.Pro568Leu (NM_001322014.2); c.1394C>T, p.Pro465Leu (NM_001322015.2); short protein forms P568L, P257L, P377L, P462L, P465L, P381L, P433L, P516L.
Identifiers: ClinVar variation 237892 (VCV000237892.10), dbSNP rs869312801, ClinGen allele CA10582505.

ClinVar aggregate classification (germline): Uncertain significance. Review status: criteria provided, multiple submitters, no conflicts (2 of 4 stars). 3 submissions from 3 submitters: Uncertain significance (3). Last evaluated 2025-12-15.

Conditions:
Hereditary nonpolyposis colorectal neoplasms. Identifiers: MedGen C0009405, MeSH D003123.
Hereditary cancer-predisposing syndrome. Also called: Tumor predisposition; Hereditary neoplastic syndrome; Hereditary Cancer Syndrome; Neoplastic Syndromes, Hereditary. Identifiers: Orphanet 140162, MedGen C0027672, MeSH D009386, MONDO:0015356.
Lynch syndrome. Identifiers: Orphanet 144, MedGen C4552100, MONDO:0005835. Disease mechanism: loss of function.

gnomAD v4.1: 2 of 1,614,136 alleles (0.00012%); highest among the groups gnomAD compares: South Asian, 0.0011%; no homozygotes.

Submissions (3):

Ambry Genetics
Classification: Uncertain significance for Hereditary cancer-predisposing syndrome. Last evaluated: 2025-12-15. Review status: criteria provided, single submitter. Criteria: Ambry Variant Classification Scheme 2023. Collection method: clinical testing. Allele origin: germline.
Comment: The p.P568L variant (also known as c.1703C>T), located in coding exon 11 of the PMS2 gene, results from a C to T substitution at nucleotide position 1703. The proline at codon 568 is replaced by leucine, an amino acid with similar properties. This amino acid position is conserved. In addition, this alteration is predicted to be tolerated by in silico analysis. Based on the available evidence, the clinical significance of this variant remains unclear.

All of Us Research Program, National Institutes of Health
Classification: Uncertain significance for Lynch syndrome. Last evaluated: 2023-06-26. Review status: criteria provided, single submitter. Criteria: ACMG Guidelines, 2015. Collection method: clinical testing. Allele origin: germline. Inheritance: Autosomal dominant inheritance. Observed: 1 variant allele, 1 heterozygote.
Comment: This missense variant replaces proline with leucine at codon 568 of the PMS2 protein. Computational prediction suggests that this variant may not impact protein structure and function (internally defined REVEL score threshold <= 0.5, PMID: 27666373). To our knowledge, functional studies have not been reported for this variant. This variant has not been reported in individuals affected with PMS2-related disorders in the literature. This variant has been identified in 1/251372 chromosomes in the general population by the Genome Aggregation Database (gnomAD). The available evidence is insufficient to determine the role of this variant in disease conclusively. Therefore, this variant is classified as a Variant of Uncertain Significance.

This study involves interpretation of variants in research participants for the purpose of population health screening. Participant phenotype was not available at the time of variant classification. Additional details can be found in publication PMID: 35346344, PMCID: PMC8962531

Labcorp Genetics (formerly Invitae), Labcorp
Classification: Uncertain significance for Hereditary nonpolyposis colorectal neoplasms. Last evaluated: 2018-03-12. Review status: criteria provided, single submitter. Criteria: Invitae Variant Classification Sherloc (09022015). Collection method: clinical testing. Allele origin: germline.
Comment: This variant has not been reported in the literature in individuals with PMS2-related disease. ClinVar contains an entry for this variant (Variation ID: 237892). In summary, the available evidence is currently insufficient to determine the role of this variant in disease. Therefore, it has been classified as a Variant of Uncertain Significance. Algorithms developed to predict the effect of missense changes on protein structure and function (SIFT, PolyPhen-2, Align-GVGD) all suggest that this variant is likely to be tolerated, but these predictions have not been confirmed by published functional studies and their clinical significance is uncertain. This variant is not present in population databases (ExAC no frequency). This sequence change replaces proline with leucine at codon 568 of the PMS2 protein (p.Pro568Leu). The proline residue is weakly conserved and there is a moderate physicochemical difference between proline and leucine.